The following is an entry in ClinVar:

NM_006580.4(CLDN16):c.*1952C>G

Gene: CLDN16 (claudin 16; plus strand). Cytogenetic location: 3q28.
Variant type: single nucleotide variant.
Coding change: c.*1952C>G on transcript NM_006580.4 (MANE Select); 1952 bases downstream of the stop codon, C replaced by G.
Molecular consequence: 3 prime UTR variant.
Genome position (GRCh38, 1-based): chr3:190,411,988, C>G. VCF-style: chr3-190411988-C-G. GRCh37 (hg19) VCF-style: chr3-190129777-C-G.
Other names: c.*1952C>G (NM_001378492.1, NM_001378493.1).
Identifiers: ClinVar variation 902392 (VCV000902392.4), dbSNP rs555889249, ClinGen allele CA89769129.

ClinVar aggregate classification (germline): Likely benign (1 of 4 stars; one submission).

Conditions:
Primary hypomagnesemia (HOMG3). Also called: HYPOMAGNESEMIA 3, RENAL; HYPOMAGNESEMIA, FAMILIAL, WITH HYPERCALCIURIA AND NEPHROCALCINOSIS; HYPOMAGNESEMIA, ISOLATED RENAL; HYPOMAGNESEMIA, PRIMARY, DUE TO DEFECT IN RENAL TUBULAR TRANSPORT OF MAGNESIUM. Identifiers: Orphanet 31043, MedGen C0268448, MONDO:0009550, OMIM 248250.

Allele frequency attached by ClinVar (database versions not stated): gnomAD 0.00250 and 0.00266; TOPMed 0.00288; 1000 Genomes Project 0.00339; 1000 Genomes Project 30x 0.00375.

Submission:

Illumina Laboratory Services, Illumina
Classification: Likely benign for Primary hypomagnesemia. Last evaluated: 2018-01-13. Review status: criteria provided, single submitter. Criteria: ICSL Variant Classification Criteria 13 December 2019. Collection method: clinical testing. Allele origin: germline.
Comment: This variant was observed in the ICSL laboratory as part of a predisposition screen in an ostensibly healthy population. It had not been previously curated by ICSL or reported in the Human Gene Mutation Database (HGMD: prior to June 1st, 2018), and was therefore a candidate for classification through an automated scoring system. Utilizing variant allele frequency, disease prevalence and penetrance estimates, and inheritance mode, an automated score was calculated to assess if this variant is too frequent to cause the disease. Based on the score and internal cut-off values, a variant classified as likely benign is not then subjected to further curation. The score for this variant resulted in a classification of likely benign for this disease.